The following is an entry in ClinVar:

ClinVar aggregate classification (germline): Likely benign. Review status: criteria provided, single submitter (1 of 4 stars). 2 submissions from 2 submitters: Likely benign (1). 1 of the submissions does not count toward it. Last evaluated 2023-12-31.

Conditions:
GNAS-related disorder. Identifiers: MedGen CN380105.

gnomAD v4.1: 12 of 1,613,932 alleles (0.00074%); highest among the groups gnomAD compares: South Asian, 0.0033%; no homozygotes.

Submissions (2):

Labcorp Genetics (formerly Invitae), Labcorp
Classification: Likely benign. Last evaluated: 2023-12-31. Review status: criteria provided, single submitter. Criteria: Invitae Variant Classification Sherloc (09022015). Collection method: clinical testing. Allele origin: germline.

PreventionGenetics, part of Exact Sciences
Classification: Likely benign for GNAS-related condition. Last evaluated: 2019-04-09. Review status: no assertion criteria provided. Collection method: clinical testing. Allele origin: germline. Not counted in ClinVar's aggregate classification.
Comment: This variant is classified as likely benign based on ACMG/AMP sequence variant interpretation guidelines (Richards et al. 2015 PMID: 25741868, with internal and published modifications).

NM_000516.7(GNAS):c.576G>A (p.Pro192=)

Gene: GNAS (GNAS complex locus; plus strand). Cytogenetic location: 20q13.32.
Variant type: single nucleotide variant.
Coding change: c.576G>A on transcript NM_000516.7 (MANE Select); coding-DNA position 576, G replaced by A.
Protein change: p.Pro192=; no amino-acid change (proline 192 retained).
Molecular consequence: synonymous variant. On other transcripts: 3 prime UTR variant (2).
Genome position (GRCh38, 1-based): chr20:58,909,207, G>A. VCF-style: chr20-58909207-G-A. GRCh37 (hg19) VCF-style: chr20-57484262-G-A.
Other names: c.576G>A (NM_000516.5); c.579G>A, p.Pro193= (NM_001077488.5); c.531G>A, p.Pro177= (NM_001077489.4); c.*437G>A (NM_001077490.3); c.399G>A, p.Pro133= (NM_001309840.2, NM_001309861.2); c.480G>A, p.Pro160= (NM_001410912.1); c.2460G>A, p.Pro820= (NM_001410913.1); c.*482G>A (NM_016592.5); and 2 more.
Identifiers: ClinVar variation 3006931 (VCV003006931.4), dbSNP rs558915293, ClinGen allele CA511086044.